The following is an entry in ClinVar:

ClinVar aggregate classification (germline): Uncertain significance (1 of 4 stars; one submission).

Conditions:
Polycystic kidney disease 4 (PKD4). Also called: POLYCYSTIC KIDNEY DISEASE 4 WITH OR WITHOUT POLYCYSTIC LIVER DISEASE; POLYCYSTIC KIDNEY AND HEPATIC DISEASE 1; POLYCYSTIC KIDNEY DISEASE, INFANTILE, TYPE I; PKD3; Autosomal Recessive Polycystic Kidney Disease – PKHD1. Identifiers: MedGen C4540575, MONDO:0033004, OMIM 263200.

Submission:

Juno Genomics, Hangzhou Juno Genomics, Inc
Classification: Uncertain significance for Polycystic kidney disease 4. Review status: criteria provided, single submitter. Criteria: ACMG Guidelines, 2015. Collection method: clinical testing. Allele origin: germline.
Comment: Absent from controls (or at extremely low frequency if recessive) in Genome Aggregation Database.;Multiple lines of computational evidence support a deleterious effect on the gene or gene product.

NM_138694.4(PKHD1):c.80C>T (p.Pro27Leu)

Gene: PKHD1 (PKHD1 ciliary IPT domain containing fibrocystin/polyductin; minus strand). Cytogenetic location: 6p12.2.
Variant type: single nucleotide variant.
Coding change: c.80C>T on transcript NM_138694.4 (MANE Select); coding-DNA position 80, C replaced by T.
Protein change: p.Pro27Leu; replaces proline 27 with leucine.
Molecular consequence: missense variant.
Genome position (GRCh38, 1-based): chr6:52,083,228, G>A on the plus strand (C>T on the coding strand, the complement: PKHD1 is on the minus strand). VCF-style: chr6-52083228-G-A. GRCh37 (hg19) VCF-style: chr6-51948026-G-A.
Other names: c.80C>T, p.Pro27Leu (NM_170724.3); short protein forms P27L.
Identifiers: ClinVar variation 5019474 (VCV005019474.2).